The following is an entry in ClinVar:

Conditions:
Breast-ovarian cancer, familial, susceptibility to, 1 (BROVCA1). Also called: BRCA1 Hereditary Breast and Ovarian Cancer; OVARIAN CANCER, SUSCEPTIBILITY TO. Identifiers: Orphanet 145, MedGen C2676676, MONDO:0011450, OMIM 604370. Disease mechanism: loss of function.

Submission:

Brotman Baty Institute, University of Washington
No classification provided (evidence only). Condition: Breast-ovarian cancer, familial 1. Review status: no classification provided. Collection method: in vitro. Allele origin: not applicable. Functional consequence: functionally_abnormal.
ClinVar note: "not provided" was previously submitted as the classification for the variant. However, the classification appeared to be based only on an observation of functional data so it was converted to no classification on 2025-07-30.

NM_007294.4(BRCA1):c.5246C>A (p.Pro1749Gln)

Gene: BRCA1 (BRCA1 DNA repair associated; minus strand). Cytogenetic location: 17q21.31.
Variant type: single nucleotide variant.
Coding change: c.5246C>A on transcript NM_007294.4 (MANE Select); coding-DNA position 5246, C replaced by A.
Protein change: p.Pro1749Gln; replaces proline 1749 with glutamine.
Molecular consequence: missense variant. On other transcripts: non-coding transcript variant (1).
Genome position (GRCh38, 1-based): chr17:43,057,083, G>T on the plus strand (C>A on the coding strand, the complement: BRCA1 is on the minus strand). VCF-style: chr17-43057083-G-T. GRCh37 (hg19) VCF-style: chr17-41209100-G-T.
Other names: c.5033C>A, p.Pro1678Gln (NM_001407571.1, NM_001407900.1, NM_001407902.1 and 12 more transcripts); c.5312C>A, p.Pro1771Gln (NM_001407581.1, NM_001407582.1); c.5309C>A, p.Pro1770Gln (NM_001407583.1, NM_001407585.1, NM_001407587.1 and 1 more transcripts); c.5306C>A, p.Pro1769Gln (NM_001407590.1, NM_001407591.1); c.5246C>A, p.Pro1749Gln (NM_001407593.1, NM_001407594.1, NM_001407596.1 and 7 more transcripts); c.5243C>A, p.Pro1748Gln (NM_001407610.1, NM_001407611.1, NM_001407612.1 and 17 more transcripts); c.5240C>A, p.Pro1747Gln (NM_001407629.1, NM_001407630.1, NM_001407631.1 and 14 more transcripts); c.5186C>A, p.Pro1729Gln (NM_001407649.1); and 72 more; short protein forms P1702Q, P1749Q, P1770Q, P645Q, P1452Q, P1637Q, P1682Q, P1707Q.
Identifiers: ClinVar variation 868222 (VCV000868222.3), dbSNP rs80357462, ClinGen allele CA10591055.